The following is an entry in ClinVar:

ClinVar aggregate classification (germline): Uncertain significance (1 of 4 stars; one submission).

Conditions:
Inborn genetic diseases. Identifiers: MedGen C0950123, MeSH D030342.

Submission:

Ambry Genetics
Classification: Uncertain significance for Inborn genetic diseases. Last evaluated: 2026-03-12. Review status: criteria provided, single submitter. Criteria: Ambry Variant Classification Scheme 2023. Collection method: clinical testing. Allele origin: germline.
Comment: The p.E605V variant (also known as c.1814A>T), located in coding exon 20 of the FANCA gene, results from an A to T substitution at nucleotide position 1814. The glutamic acid at codon 605 is replaced by valine, an amino acid with dissimilar properties. This amino acid position is conserved. In addition, this alteration is predicted to be deleterious by in silico analysis. Based on the available evidence, the clinical significance of this variant remains unclear.

NM_000135.4(FANCA):c.1814A>T (p.Glu605Val)

Gene: FANCA (FA complementation group A; minus strand). Cytogenetic location: 16q24.3.
Variant type: single nucleotide variant.
Coding change: c.1814A>T on transcript NM_000135.4 (MANE Select); coding-DNA position 1814, A replaced by T.
Protein change: p.Glu605Val; replaces glutamic acid 605 with valine.
Molecular consequence: missense variant.
Genome position (GRCh38, 1-based): chr16:89,778,813, T>A on the plus strand (A>T on the coding strand, the complement: FANCA is on the minus strand). VCF-style: chr16-89778813-T-A. GRCh37 (hg19) VCF-style: chr16-89845221-T-A.
Other names: c.1814A>T, p.Glu605Val (NM_001286167.3); short protein forms E605V.
Identifiers: ClinVar variation 4826930 (VCV004826930.1).